The following is an entry in ClinVar:

NM_003072.5(SMARCA4):c.250A>T (p.Met84Leu)

Gene: SMARCA4 (SWI/SNF related BAF chromatin remodeling complex subunit ATPase 4; plus strand). Cytogenetic location: 19p13.2.
Variant type: single nucleotide variant.
Coding change: c.250A>T on transcript NM_003072.5 (MANE Select); coding-DNA position 250, A replaced by T.
Protein change: p.Met84Leu; replaces methionine 84 with leucine.
Molecular consequence: missense variant. On other transcripts: non-coding transcript variant (1).
Genome position (GRCh38, 1-based): chr19:10,985,300, A>T. VCF-style: chr19-10985300-A-T. GRCh37 (hg19) VCF-style: chr19-11095976-A-T.
Other names: c.250A>T, p.Met84Leu (NM_001128844.3, NM_001128845.2, NM_001128846.2 and 5 more transcripts); short protein forms M84L.
Identifiers: ClinVar variation 1477440 (VCV001477440.6), dbSNP rs1568419761, ClinGen allele CA404055135.

ClinVar aggregate classification (germline): Uncertain significance (1 of 4 stars; one submission).

Conditions:
Rhabdoid tumor predisposition syndrome 2 (RTPS2). Identifiers: Orphanet 231108, Orphanet 69077, MedGen C2750074, MONDO:0013224, OMIM 613325.

Submission:

Labcorp Genetics (formerly Invitae), Labcorp
Classification: Uncertain significance for Rhabdoid tumor predisposition syndrome 2. Last evaluated: 2021-09-25. Review status: criteria provided, single submitter. Criteria: Invitae Variant Classification Sherloc (09022015). Collection method: clinical testing. Allele origin: germline.
Comment: In summary, the available evidence is currently insufficient to determine the role of this variant in disease. Therefore, it has been classified as a Variant of Uncertain Significance. Algorithms developed to predict the effect of missense changes on protein structure and function output the following: SIFT: "Tolerated"; PolyPhen-2: "Benign"; Align-GVGD: "Class C0". The leucine amino acid residue is found in multiple mammalian species, which suggests that this missense change does not adversely affect protein function. This variant has not been reported in the literature in individuals affected with SMARCA4-related conditions. This variant is not present in population databases (ExAC no frequency). This sequence change replaces methionine with leucine at codon 84 of the SMARCA4 protein (p.Met84Leu). The methionine residue is highly conserved and there is a small physicochemical difference between methionine and leucine.